The following is an entry in ClinVar:

NM_014140.4(SMARCAL1):c.16A>T (p.Thr6Ser)

Gene: SMARCAL1 (SNF2 related chromatin remodeling annealing helicase 1; plus strand). Cytogenetic location: 2q35.
Variant type: single nucleotide variant.
Coding change: c.16A>T on transcript NM_014140.4 (MANE Select); coding-DNA position 16, A replaced by T.
Protein change: p.Thr6Ser; replaces threonine 6 with serine.
Molecular consequence: missense variant.
Genome position (GRCh38, 1-based): chr2:216,414,720, A>T. VCF-style: chr2-216414720-A-T. GRCh37 (hg19) VCF-style: chr2-217279443-A-T.
Other names: c.16A>T, p.Thr6Ser (NM_001127207.2); short protein forms T6S.
Identifiers: ClinVar variation 4719865 (VCV004719865.1).

ClinVar aggregate classification (germline): Uncertain significance (1 of 4 stars; one submission).

Conditions:
Schimke immuno-osseous dysplasia (SIOD). Also called: Schimke Immunoosseous Dysplasia. Identifiers: Orphanet 1830, MedGen C0877024, MONDO:0009458, OMIM 242900.

gnomAD v4.1: 27 of 1,613,906 alleles (0.0017%); highest among the groups gnomAD compares: South Asian, 0.029%; no homozygotes.

Submission:

Labcorp Genetics (formerly Invitae), Labcorp
Classification: Uncertain significance for Schimke immuno-osseous dysplasia. Last evaluated: 2025-12-25. Review status: criteria provided, single submitter. Criteria: Invitae Variant Classification Sherloc (09022015). Collection method: clinical testing. Allele origin: germline.
Comment: This sequence change replaces threonine, which is neutral and polar, with serine, which is neutral and polar, at codon 6 of the SMARCAL1 protein (p.Thr6Ser). This variant is present in population databases (rs759708352, gnomAD 0.03%). This variant has not been reported in the literature in individuals affected with SMARCAL1-related conditions. Invitae Evidence Modeling of protein sequence and biophysical properties (such as structural, functional, and spatial information, amino acid conservation, physicochemical variation, residue mobility, and thermodynamic stability) has been performed for this missense variant. However, the output from this modeling did not meet the statistical confidence thresholds required to predict the impact of this variant on SMARCAL1 protein function. In summary, the available evidence is currently insufficient to determine the role of this variant in disease. Therefore, it has been classified as a Variant of Uncertain Significance.